The following is an entry in ClinVar:

NM_017775.4(TTC19):c.190G>T (p.Ala64Ser)

Genes: TTC19 (tetratricopeptide repeat domain 19; plus strand), LOC130060311 (ATAC-STARR-seq lymphoblastoid silent region 8214; plus strand). Cytogenetic location: 17p12.
Variant type: single nucleotide variant.
Coding change: c.190G>T on transcript NM_017775.4 (MANE Select); coding-DNA position 190, G replaced by T.
Protein change: p.Ala64Ser; replaces alanine 64 with serine.
Molecular consequence: missense variant. On other transcripts: 5 prime UTR variant (1).
Genome position (GRCh38, 1-based): chr17:16,000,123, G>T. VCF-style: chr17-16000123-G-T. GRCh37 (hg19) VCF-style: chr17-15903437-G-T.
Other names: c.-269G>T (NM_001271420.2); short protein forms A64S.
Identifiers: ClinVar variation 5017860 (VCV005017860.1).
Genomic context (GRCh38, chr17:16,000,123, plus strand): 5'-GGGCGGGGACAGGGGCGCGGGCCGGGCCCGATGACCTCAGAGCCCCTTCCCGCAGCGCTC[G>T]CCTGGTTCTCGAGGCCCGCTGCGGCAGAGGAGGAGGAGCAGCAGGGAGCCGACGGGGCCG-3'
Protein context (NP_060245.3, residues 54-74): PGLLPLLAAL[Ala64Ser]WFSRPAAAEE

ClinVar aggregate classification (germline): Uncertain significance (1 of 4 stars; one submission).

gnomAD v4.1: 3 of 1,561,930 alleles (0.00019%); highest among the groups gnomAD compares: Non-Finnish European, 0.00026%; no homozygotes.

Submission:

GeneDx
Classification: Uncertain significance. Last evaluated: 2026-04-03. Review status: criteria provided, single submitter. Criteria: GeneDx Variant Classification Process June 2021. Collection method: clinical testing. Allele origin: germline.
Comment: Not observed at significant frequency in large population cohorts (gnomAD); In silico analysis suggests that this missense variant does not alter protein structure/function; Has not been previously published as pathogenic or benign to our knowledge